The following is an entry in ClinVar:

NM_000038.6(APC):c.3363del (p.Asn1122fs)

Gene: APC (APC regulator of Wnt signaling pathway; plus strand). Cytogenetic location: 5q22.2.
Variant type: Deletion.
Coding change: c.3363del on transcript NM_000038.6 (MANE Select); coding-DNA position 3363, one base deleted (T; older notation c.3363delT).
Protein change: p.Asn1122fs; shifts the reading frame from asparagine 1122.
Molecular consequence: frameshift variant. On other transcripts: non-coding transcript variant (2).
Genome position (GRCh38, 1-based): chr5:112,838,957, T deleted; the last of 2 consecutive T bases (chr5:112,838,956-112,838,957); deleting either gives the same sequence. VCF-style (leftmost placement, unchanged base first): chr5-112838955-AT-A. GRCh37 (hg19) VCF-style: chr5-112174652-AT-A.
Other names: c.3279del, p.Asn1094fs (NM_001354899.2); c.3240del, p.Asn1081fs (NM_001354900.2); c.3186del, p.Asn1063fs (NM_001354901.2, NM_001407453.1); c.3090del, p.Asn1031fs (NM_001354902.2); c.3060del, p.Asn1021fs (NM_001354903.2, NM_001407458.1, NM_001407459.1 and 1 more transcripts); c.2985del, p.Asn996fs (NM_001354904.2); c.2883del, p.Asn962fs (NM_001354905.2); c.2514del, p.Asn839fs (NM_001354906.2, NM_001407470.1); and 12 more; short protein forms N1021fs, N1031fs, N1039fs, N1063fs, N1081fs, N1094fs, N1097fs, N1104fs.
Identifiers: ClinVar variation 2584228 (VCV002584228.3), dbSNP rs2533492536, ClinGen allele CA2582341511.

ClinVar aggregate classification (germline): Pathogenic/Likely pathogenic. Review status: criteria provided, multiple submitters, no conflicts (2 of 4 stars). 2 submissions from 2 submitters: Pathogenic (1); Likely pathogenic (1). Last evaluated 2026-08-19.

Conditions:
Familial adenomatous polyposis 1 (FAP1). Also called: FAMILIAL ADENOMATOUS POLYPOSIS 1, ATTENUATED; POLYPOSIS, ADENOMATOUS INTESTINAL. Identifiers: MedGen C2713442, MONDO:0021056, OMIM 175100. Disease mechanism: loss of function.
Hereditary cancer-predisposing syndrome. Also called: Hereditary neoplastic syndrome; Hereditary Cancer Syndrome; Neoplastic Syndromes, Hereditary; Tumor predisposition. Identifiers: Orphanet 140162, MedGen C0027672, MeSH D009386, MONDO:0015356.

Submissions (2):

Ambry Genetics
Classification: Likely pathogenic for Hereditary cancer-predisposing syndrome. Last evaluated: 2026-08-19. Review status: criteria provided, single submitter. Criteria: Ambry Variant Classification Scheme 2023. Collection method: clinical testing. Allele origin: germline.
Comment: The c.3363delT variant, located in coding exon 15 of the APC gene, results from a deletion of one nucleotide at nucleotide position 3363, causing a translational frameshift with a predicted alternate stop codon (p.N1122Ifs*4). This variant occurs at the 3' terminus of the gene, is not expected to trigger nonsense-mediated mRNA decay, and impacts the last 60% of the protein. However, premature stop codons are typically deleterious in nature and a significant portion of the protein is affected (Ambry internal data). This variant is considered to be rare based on population cohorts in the Genome Aggregation Database (gnomAD). Based on the majority of available evidence to date, this variant is likely to be pathogenic.

Myriad Genetics, Inc.
Classification: Pathogenic for Familial adenomatous polyposis 1. Last evaluated: 2023-05-08. Review status: criteria provided, single submitter. Criteria: Myriad Autosomal Dominant, Autosomal Recessive and X-Linked Classification Criteria (2023). Collection method: clinical testing. Allele origin: unknown.
Comment: This variant is considered pathogenic. This variant creates a frameshift predicted to result in premature protein truncation.